The following is an entry in ClinVar:

ClinVar aggregate classification (germline): Benign. Review status: criteria provided, multiple submitters, no conflicts (2 of 4 stars). 3 submissions from 3 submitters: Benign (3). Last evaluated 2021-05-04.

Conditions:
Hyperglycinuria. Also called: GLYCINURIA WITH OR WITHOUT OXALATE NEPHROLITHIASIS; GLYCINURIA WITH OR WITHOUT OXALATE UROLITHIASIS; IMINOGLYCINURIA TYPE II. Identifiers: MedGen C0543541, MONDO:0007677, OMIM 138500, HP:0003108.

Allele frequency attached by ClinVar (database versions not stated): gnomAD exomes 0.00566 and 0.01215; ExAC 0.01343; gnomAD 0.03507 and 0.03767; 1000 Genomes Project 0.03554; 1000 Genomes Project 30x 0.03779; TOPMed 0.03995; ESP Exome Variant Server 0.04098.
gnomAD v4.1: 14,133 of 1,614,144 alleles (0.88%); highest among the groups gnomAD compares: African/African-American, 12%; 643 homozygotes.

Submissions (3):

GeneDx
Classification: Benign. Last evaluated: 2021-05-04. Review status: criteria provided, single submitter. Criteria: GeneDx Variant Classification Process June 2021. Collection method: clinical testing. Allele origin: germline. Affected: yes.

Illumina Laboratory Services, Illumina
Classification: Benign for Hyperglycinuria. Last evaluated: 2018-01-13. Review status: criteria provided, single submitter. Criteria: ICSL Variant Classification Criteria 13 December 2019. Collection method: clinical testing. Allele origin: germline.
Comment: This variant was observed in the ICSL laboratory as part of a predisposition screen in an ostensibly healthy population. It had not been previously curated by ICSL or reported in the Human Gene Mutation Database (HGMD: prior to June 1st, 2018), and was therefore a candidate for classification through an automated scoring system. Utilizing variant allele frequency, disease prevalence and penetrance estimates, and inheritance mode, an automated score was calculated to assess if this variant is too frequent to cause the disease. Based on the score and internal cut-off values, a variant classified as benign is not then subjected to further curation. The score for this variant resulted in a classification of benign for this disease.

Breakthrough Genomics
Classification: Benign. Review status: criteria provided, single submitter. Criteria: ACMG Guidelines, 2015. Collection method: not provided. Allele origin: germline. Inheritance: Autosomal recessive inheritance. Affected: yes.

NM_020208.4(SLC6A20):c.507G>A (p.Glu169=)

Gene: SLC6A20 (solute carrier family 6 member 20; minus strand). Cytogenetic location: 3p21.31.
Variant type: single nucleotide variant.
Coding change: c.507G>A on transcript NM_020208.4 (MANE Select); coding-DNA position 507, G replaced by A.
Protein change: p.Glu169=; no amino-acid change (glutamic acid 169 retained).
Molecular consequence: synonymous variant.
Genome position (GRCh38, 1-based): chr3:45,775,836, C>T on the plus strand (G>A on the coding strand, the complement: SLC6A20 is on the minus strand). VCF-style: chr3-45775836-C-T. GRCh37 (hg19) VCF-style: chr3-45817328-C-T.
Other names: c.507G>A, p.Glu169= (NM_022405.4).
Identifiers: ClinVar variation 345419 (VCV000345419.7), dbSNP rs13314717, ClinGen allele CA2351600.